The following is an entry in ClinVar:

ClinVar aggregate classification (germline): Conflicting classifications of pathogenicity. Review status: criteria provided, conflicting classifications (1 of 4 stars). 7 submissions from 7 submitters: Uncertain significance (5); Likely benign (1). 1 of the submissions does not count toward it. Last evaluated 2026-01-19.

Conditions:
Inborn genetic diseases. Identifiers: MedGen C0950123, MeSH D030342.
Neuromuscular disease caused by qualitative or quantitative defects of dysferlin. Also called: Qualitative or quantitative defects of dysferlin; Dysferlinopathy. Identifiers: Orphanet 207073, MedGen C2931687, MONDO:0016145.
Autosomal recessive limb-girdle muscular dystrophy type 2B (LGMDR2). Also called: MUSCULAR DYSTROPHY, LIMB-GIRDLE, TYPE 3; Limb-Girdle Muscular Dystrophy Type 2B (LGMD2B); MUSCULAR DYSTROPHY, LIMB-GIRDLE, AUTOSOMAL RECESSIVE 2; Limb-girdle muscular dystrophy, type 2B. Identifiers: Orphanet 268, MedGen C1850889, MONDO:0009676, OMIM 253601.

Allele frequency attached by ClinVar (database versions not stated): 1000 Genomes Project 30x 0.00016; ESP Exome Variant Server 0.00035; 1000 Genomes Project 0.00020; ExAC 0.00019; TOPMed 0.00045.
gnomAD v4.1: 105 of 1,551,282 alleles (0.0068%); highest among the groups gnomAD compares: African/African-American, 0.13%; no homozygotes.

Submissions (7):

Labcorp Genetics (formerly Invitae), Labcorp
Classification: Likely benign for Neuromuscular disease caused by qualitative or quantitative defects of dysferlin. Last evaluated: 2026-01-19. Review status: criteria provided, single submitter. Criteria: Invitae Variant Classification Sherloc (09022015). Collection method: clinical testing. Allele origin: germline.

Ambry Genetics
Classification: Uncertain significance for Inborn genetic diseases. Last evaluated: 2025-08-03. Review status: criteria provided, single submitter. Criteria: Ambry Variant Classification Scheme 2023. Collection method: clinical testing. Allele origin: germline.

Revvity Omics, Revvity
Classification: Uncertain significance. Last evaluated: 2024-09-20. Review status: criteria provided, single submitter. Criteria: ACMG Guidelines, 2015. Collection method: clinical testing. Allele origin: germline.

GeneDx
Classification: Uncertain significance. Last evaluated: 2022-06-01. Review status: criteria provided, single submitter. Criteria: GeneDx Variant Classification Process June 2021. Collection method: clinical testing. Allele origin: germline. Affected: yes.
Comment: In silico analysis supports that this missense variant does not alter protein structure/function; Has not been previously published as pathogenic or benign to our knowledge

Illumina Laboratory Services, Illumina
Classification: Uncertain significance for Qualitative or quantitative defects of dysferlin. Last evaluated: 2018-01-12. Review status: criteria provided, single submitter. Criteria: ICSL Variant Classification Criteria 13 December 2019. Collection method: clinical testing. Allele origin: germline.

Eurofins Ntd Llc (ga)
Classification: Uncertain significance. Last evaluated: 2013-08-01. Review status: criteria provided, single submitter. Criteria: EGL Classification Definitions 2015. Collection method: clinical testing. Allele origin: germline. Observed: 2 variant alleles, 2 heterozygotes.

Natera, Inc.
Classification: Uncertain significance for Limb-girdle muscular dystrophy type 2B. Last evaluated: 2020-01-24. Review status: no assertion criteria provided. Collection method: clinical testing. Allele origin: germline. Not counted in ClinVar's aggregate classification.

NM_001130987.2(DYSF):c.431C>A (p.Pro144Gln)

Gene: DYSF (dysferlin; plus strand). Cytogenetic location: 2p13.2.
Variant type: single nucleotide variant.
Coding change: c.431C>A on transcript NM_001130987.2 (MANE Select); coding-DNA position 431, C replaced by A.
Protein change: p.Pro144Gln; replaces proline 144 with glutamine.
Molecular consequence: missense variant.
Genome position (GRCh38, 1-based): chr2:71,511,892, C>A. VCF-style: chr2-71511892-C-A. GRCh37 (hg19) VCF-style: chr2-71739022-C-A.
Other names: c.431C>A, p.Pro144Gln (NM_001130455.2, NM_001130982.2, NM_001130983.2 and 3 more transcripts); c.428C>A, p.Pro143Gln (NM_001130976.2, NM_001130977.2, NM_001130978.2 and 4 more transcripts); short protein forms P143Q, P144Q.
Identifiers: ClinVar variation 94322 (VCV000094322.57), dbSNP rs139654844, ClinGen allele CA222166.